The following is an entry in ClinVar:

NM_020937.4(FANCM):c.604G>A (p.Ala202Thr)

Gene: FANCM (FA complementation group M; plus strand). Cytogenetic location: 14q21.2.
Variant type: single nucleotide variant.
Coding change: c.604G>A on transcript NM_020937.4 (MANE Select); coding-DNA position 604, G replaced by A.
Protein change: p.Ala202Thr; replaces alanine 202 with threonine.
Molecular consequence: missense variant.
Genome position (GRCh38, 1-based): chr14:45,137,164, G>A. VCF-style: chr14-45137164-G-A. GRCh37 (hg19) VCF-style: chr14-45606367-G-A.
Other names: c.604G>A, p.Ala202Thr (NM_001308133.2, NM_001308134.2); short protein forms A202T.
Identifiers: ClinVar variation 5021488 (VCV005021488.1).

ClinVar aggregate classification (germline): Uncertain significance (1 of 4 stars; one submission).

Conditions:
Inborn genetic diseases. Identifiers: MedGen C0950123, MeSH D030342.

Submission:

Ambry Genetics
Classification: Uncertain significance for Inborn genetic diseases. Last evaluated: 2026-08-10. Review status: criteria provided, single submitter. Criteria: Ambry Variant Classification Scheme 2023. Collection method: clinical testing. Allele origin: germline.
Comment: The p.A202T variant (also known as c.604G>A), located in coding exon 2 of the FANCM gene, results from a G to A substitution at nucleotide position 604. The alanine at codon 202 is replaced by threonine, an amino acid with similar properties. This amino acid position is conserved. In addition, this alteration is predicted to be tolerated by in silico analysis. Based on the available evidence, the clinical significance of this variant remains unclear.